The following is an entry in ClinVar:

NM_000026.4(ADSL):c.1106T>C (p.Ile369Thr)

Gene: ADSL (adenylosuccinate lyase; plus strand). Cytogenetic location: 22q13.1.
Variant type: single nucleotide variant.
Coding change: c.1106T>C on transcript NM_000026.4 (MANE Select); coding-DNA position 1106, T replaced by C.
Protein change: p.Ile369Thr; replaces isoleucine 369 with threonine.
Molecular consequence: missense variant. On other transcripts: non-coding transcript variant (1).
Genome position (GRCh38, 1-based): chr22:40,364,280, T>C. VCF-style: chr22-40364280-T-C. GRCh37 (hg19) VCF-style: chr22-40760284-T-C.
Other names: c.1106T>C, p.Ile369Thr (NM_001123378.3, NM_001363840.3); c.914T>C, p.Ile305Thr (NM_001317923.2); short protein forms I369T, I305T.
Identifiers: ClinVar variation 341658 (VCV000341658.12), dbSNP rs755688868, ClinGen allele CA10247923.
Genomic context (GRCh38, chr22:40,364,280, plus strand): 5'-TATGACTTTAACCTTGAGGCACCTTTCTTGGTCATTCACCGTATCTTTTCCTATAGGTAA[T>C]TGAACGGCGCATTCGGCAAGAGCTGCCTTTCATGGCCACAGAGAACATCATCATGGCCAT-3'
Protein context (NP_000017.1, residues 359-379): SEGLVVYPKV[Ile369Thr]ERRIRQELPF

ClinVar aggregate classification (germline): Uncertain significance. Review status: criteria provided, multiple submitters, no conflicts (2 of 4 stars). 2 submissions from 2 submitters: Uncertain significance (2). Last evaluated 2024-04-29.

Conditions:
Adenylosuccinate lyase deficiency (ADSLD). Also called: ADSL DEFICIENCY. Identifiers: Orphanet 46, MedGen C0268126, MONDO:0007068, OMIM 103050.

Allele frequency attached by ClinVar (database versions not stated): gnomAD 0.00001; gnomAD exomes 0.00002; TOPMed 0.00002; ExAC 0.00003.
gnomAD v4.1: 36 of 1,613,812 alleles (0.0022%); highest among the groups gnomAD compares: Middle Eastern, 0.017%; no homozygotes.

Submissions (2):

Labcorp Genetics (formerly Invitae), Labcorp
Classification: Uncertain significance for Adenylosuccinate lyase deficiency. Last evaluated: 2024-04-29. Review status: criteria provided, single submitter. Criteria: Invitae Variant Classification Sherloc (09022015). Collection method: clinical testing. Allele origin: germline.
Comment: This sequence change replaces isoleucine, which is neutral and non-polar, with threonine, which is neutral and polar, at codon 369 of the ADSL protein (p.Ile369Thr). This variant is present in population databases (rs755688868, gnomAD 0.02%). This variant has not been reported in the literature in individuals affected with ADSL-related conditions. ClinVar contains an entry for this variant (Variation ID: 341658). Advanced modeling of protein sequence and biophysical properties (such as structural, functional, and spatial information, amino acid conservation, physicochemical variation, residue mobility, and thermodynamic stability) performed at Invitae indicates that this missense variant is not expected to disrupt ADSL protein function with a negative predictive value of 80%. In summary, the available evidence is currently insufficient to determine the role of this variant in disease. Therefore, it has been classified as a Variant of Uncertain Significance.

Illumina Laboratory Services, Illumina
Classification: Uncertain significance for Adenylosuccinate lyase deficiency. Last evaluated: 2018-01-12. Review status: criteria provided, single submitter. Criteria: ICSL Variant Classification Criteria 13 December 2019. Collection method: clinical testing. Allele origin: germline.